The following is an entry in ClinVar:

ClinVar aggregate classification (germline): Uncertain significance. Review status: criteria provided, multiple submitters, no conflicts (2 of 4 stars). 2 submissions from 2 submitters: Uncertain significance (2). Last evaluated 2024-07-20.

Conditions:
Neurofibromatosis, type 2 (SWNV). Also called: BILATERAL ACOUSTIC NEUROFIBROMATOSIS; SCHWANNOMATOSIS, VESTIBULAR; NF2-Related Schwannomatosis. Identifiers: Orphanet 637, MedGen C0027832, MONDO:0007039, OMIM 101000. Disease mechanism: loss of function.

Submissions (2):

All of Us Research Program, National Institutes of Health
Classification: Uncertain significance for Neurofibromatosis, type 2. Last evaluated: 2024-07-20. Review status: criteria provided, single submitter. Criteria: ACMG Guidelines, 2015. Collection method: clinical testing. Allele origin: germline. Inheritance: Autosomal dominant inheritance. Observed: 1 variant allele, 1 heterozygote.
Comment: This missense variant replaces lysine with arginine at codon 578 of the NF2 protein. Computational prediction suggests that this variant may not impact protein structure and function. To our knowledge, functional studies have not been reported for this variant. This variant has not been reported in individuals affected with NF2-related disorders in the literature. This variant has not been identified in the general population by the Genome Aggregation Database (gnomAD). The available evidence is insufficient to determine the role of this variant in disease conclusively. Therefore, this variant is classified as a Variant of Uncertain Significance.

This study involves interpretation of variants in research participants for the purpose of population health screening. Participant phenotype was not available at the time of variant classification. Additional details can be found in publication PMID: 35346344, PMCID: PMC8962531

Labcorp Genetics (formerly Invitae), Labcorp
Classification: Uncertain significance for Neurofibromatosis, type 2. Last evaluated: 2019-08-27. Review status: criteria provided, single submitter. Criteria: Invitae Variant Classification Sherloc (09022015). Collection method: clinical testing. Allele origin: germline.
Comment: In summary, the available evidence is currently insufficient to determine the role of this variant in disease. Therefore, it has been classified as a Variant of Uncertain Significance. Algorithms developed to predict the effect of missense changes on protein structure and function output the following: SIFT: "Tolerated"; PolyPhen-2: "Benign"; Align-GVGD: "Class C0". The arginine amino acid residue is found in multiple mammalian species, suggesting that this missense change does not adversely affect protein function. These predictions have not been confirmed by published functional studies and their clinical significance is uncertain. This variant has not been reported in the literature in individuals with NF2-related conditions. This variant is not present in population databases (ExAC no frequency). This sequence change replaces lysine with arginine at codon 578 of the NF2 protein (p.Lys578Arg). The lysine residue is moderately conserved and there is a small physicochemical difference between lysine and arginine.

NM_000268.4(NF2):c.1733A>G (p.Lys578Arg)

Gene: NF2 (NF2, moesin-ezrin-radixin like (MERLIN) tumor suppressor; plus strand). Cytogenetic location: 22q12.2.
Variant type: single nucleotide variant.
Coding change: c.1733A>G on transcript NM_000268.4 (MANE Select); coding-DNA position 1733, A replaced by G.
Protein change: p.Lys578Arg; replaces lysine 578 with arginine.
Molecular consequence: missense variant. On other transcripts: non-coding transcript variant (1), intron variant (1).
Genome position (GRCh38, 1-based): chr22:29,681,597, A>G. VCF-style: chr22-29681597-A-G. GRCh37 (hg19) VCF-style: chr22-30077586-A-G.
Other names: c.1733A>G, p.Lys578Arg (NM_016418.5, NM_181825.3, NM_181832.3); c.1607A>G, p.Lys536Arg (NM_181828.3); c.1610A>G, p.Lys537Arg (NM_181829.3); c.1484A>G, p.Lys495Arg (NM_181830.3, NM_181831.3); c.448-13155A>G (NM_181833.3); short protein forms K536R, K537R, K578R, K495R.
Identifiers: ClinVar variation 939346 (VCV000939346.11), dbSNP rs2067138210, ClinGen allele CA411150543.